The following is an entry in ClinVar:

NM_001009944.3(PKD1):c.6893G>A (p.Trp2298Ter)

Gene: PKD1 (polycystin 1, transient receptor potential channel interacting; minus strand). Cytogenetic location: 16p13.3.
Variant type: single nucleotide variant.
Coding change: c.6893G>A on transcript NM_001009944.3 (MANE Select); coding-DNA position 6893, G replaced by A.
Protein change: p.Trp2298Ter; replaces tryptophan 2298 with a stop codon.
Molecular consequence: nonsense.
Genome position (GRCh38, 1-based): chr16:2,108,274, C>T on the plus strand (G>A on the coding strand, the complement: PKD1 is on the minus strand). VCF-style: chr16-2108274-C-T. GRCh37 (hg19) VCF-style: chr16-2158275-C-T.
Other names: c.6893G>A, p.Trp2298Ter (NM_000296.4); short protein forms W2298*.
Identifiers: ClinVar variation 4853304 (VCV004853304.1).

ClinVar aggregate classification (germline): Pathogenic (1 of 4 stars; one submission).

Conditions:
Polycystic kidney disease, adult type (PKD1). Also called: Polycystic Kidney, Autosomal Dominant; POLYCYSTIC KIDNEY DISEASE, ADULT, TYPE I; Polycystic Kidney Disease 1, Autosomal Dominant; Polycystic kidney disease 1; Polycystic kidney disease 1, severe; POLYCYSTIC KIDNEY DISEASE 1 WITH OR WITHOUT POLYCYSTIC LIVER DISEASE. Identifiers: MedGen C3149841, MONDO:0008263, OMIM 173900.

gnomAD v4.1: 1 of 1,601,958 alleles (0.000062%); highest among the groups gnomAD compares: Non-Finnish European, 0.000085%; no homozygotes.

Submission:

Women's Health and Genetics/Laboratory Corporation of America, LabCorp
Classification: Pathogenic for Polycystic kidney disease, adult type. Last evaluated: 2026-05-11. Review status: criteria provided, single submitter. Criteria: LabCorp Variant Classification Summary - May 2015. Collection method: clinical testing. Allele origin: germline.
Comment: Variant summary: PKD1 c.6893G>A (p.Trp2298X) results in a premature termination codon, predicted to cause a truncation of the encoded protein or absence of the protein due to nonsense mediated decay, which are commonly known mechanisms for disease. The variant allele was found at a frequency of 4.1e-06 in 243420 control chromosomes. c.6893G>A has been observed in an individual affected with Polycystic Kidney Disease 1 (Audrezet_2012). To our knowledge, no experimental evidence demonstrating an impact on protein function has been reported. The following publication has been ascertained in the context of this evaluation (PMID: 22508176). No submitters have cited clinical significance assessments for this variant in ClinVar. Based on the evidence outlined above, the variant was classified as pathogenic.

Literature cited by the submitters: PubMed 22508176.